The following is an entry in ClinVar:

ClinVar aggregate classification (germline): Likely benign. Review status: criteria provided, multiple submitters, no conflicts (2 of 4 stars). 3 submissions from 3 submitters: Likely benign (2). 1 of the submissions does not count toward it. Last evaluated 2025-10-23.

Conditions:
NUP205-related disorder. Also called: NUP205-related condition.

Allele frequency attached by ClinVar (database versions not stated): ESP Exome Variant Server 0.00023; gnomAD 0.00026.
gnomAD v4.1: 326 of 1,613,944 alleles (0.02%); highest among the groups gnomAD compares: Non-Finnish European, 0.024%; no homozygotes.

Submissions (3):

Labcorp Genetics (formerly Invitae), Labcorp
Classification: Likely benign. Last evaluated: 2025-10-23. Review status: criteria provided, single submitter. Criteria: Invitae Variant Classification Sherloc (09022015). Collection method: clinical testing. Allele origin: germline.

CeGaT Center for Human Genetics Tuebingen
Classification: Likely benign. Last evaluated: 2023-03-01. Review status: criteria provided, single submitter. Criteria: CeGaT Center For Human Genetics Tuebingen Variant Classification Criteria Version 2. Collection method: clinical testing. Allele origin: germline. Affected: yes. Observed: 1 variant allele.
Comment: NUP205: BP4, BP7

PreventionGenetics, part of Exact Sciences
Classification: Likely benign for NUP205-related condition. Last evaluated: 2019-06-06. Review status: no assertion criteria provided. Collection method: clinical testing. Allele origin: germline. Not counted in ClinVar's aggregate classification.
Comment: This variant is classified as likely benign based on ACMG/AMP sequence variant interpretation guidelines (Richards et al. 2015 PMID: 25741868, with internal and published modifications).

NM_015135.3(NUP205):c.3855G>A (p.Ser1285=)

Gene: NUP205 (nucleoporin 205; plus strand). Cytogenetic location: 7q33.
Variant type: single nucleotide variant.
Coding change: c.3855G>A on transcript NM_015135.3 (MANE Select); coding-DNA position 3855, G replaced by A.
Protein change: p.Ser1285=; no amino-acid change (serine 1285 retained).
Molecular consequence: synonymous variant.
Genome position (GRCh38, 1-based): chr7:135,618,495, G>A. VCF-style: chr7-135618495-G-A. GRCh37 (hg19) VCF-style: chr7-135303243-G-A.
Other names: c.2781G>A, p.Ser927= (NM_001329434.2); c.3855G>A (NM_015135.2).
Identifiers: ClinVar variation 2056309 (VCV002056309.29), dbSNP rs147285807, ClinGen allele CA4498735.
Genomic context (GRCh38, chr7:135,618,495, plus strand): 5'-TGTGGTAGGAAGAAATAAATTGCTGCAGTGTCTTCATGCAAAACGTCATGCTCTGGAGTC[G>A]TGGAGGCAACTAGTAGAAATTATACTGACAGCTTGTCCCCAGGACCTCATTCAGGCAGAG-3'
Protein context (NP_055950.2, residues 1275-1295): CLHAKRHALE[Ser1285=]WRQLVEIILT